The following is an entry in ClinVar:

ClinVar aggregate classification (germline): Pathogenic. Review status: criteria provided, single submitter (1 of 4 stars). 2 submissions from 2 submitters: Pathogenic (1). 1 of the submissions does not count toward it. Last evaluated 2023-04-28.

Conditions:
GLI3-related disorder. Also called: GLI3-related condition; GLI3-related disorders. Identifiers: MedGen CN239292.

Submissions (2):

GeneDx
Classification: Pathogenic. Last evaluated: 2023-04-28. Review status: criteria provided, single submitter. Criteria: GeneDx Variant Classification Process June 2021. Collection method: clinical testing. Allele origin: germline. Affected: yes.
Comment: Has been reported in a patient with clinical features of GLI3-related disorder including polydactly, oral frenula, imperforate anus, and dysmorphic features (Johnston et al., 2010); Nonsense variant predicted to result in protein truncation, as the last 588 amino acids are lost, and other loss-of-function variants have been reported downstream in HGMD; Not observed at significant frequency in large population cohorts (gnomAD); This variant is associated with the following publications: (PMID: 35137044, 20672375)

PreventionGenetics, part of Exact Sciences
Classification: Pathogenic for GLI3-related condition. Last evaluated: 2024-09-16. Review status: no assertion criteria provided. Collection method: clinical testing. Allele origin: germline. Not counted in ClinVar's aggregate classification.
Comment: The GLI3 c.2977C>T variant is predicted to result in premature protein termination (p.Gln993*). This variant has been reported in an individual with Pallister-Hall syndrome (Johnston et al 2010. PubMed ID: 20672375). This variant has also been reported in the somatic context, as an apparently mosaic variant, detected in hypothalamic hamartoma tissue (Green et al. 2022. PubMed ID: 35137044). This variant has not been reported in a large population database, indicating this variant is rare. Nonsense variants in GLI3 are expected to be pathogenic. This variant is interpreted as pathogenic.

NM_000168.6(GLI3):c.2977C>T (p.Gln993Ter)

Gene: GLI3 (GLI family zinc finger 3; minus strand). Cytogenetic location: 7p14.1.
Variant type: single nucleotide variant.
Coding change: c.2977C>T on transcript NM_000168.6 (MANE Select); coding-DNA position 2977, C replaced by T.
Protein change: p.Gln993Ter; replaces glutamine 993 with a stop codon.
Molecular consequence: nonsense.
Genome position (GRCh38, 1-based): chr7:41,966,096, G>A on the plus strand (C>T on the coding strand, the complement: GLI3 is on the minus strand). VCF-style: chr7-41966096-G-A. GRCh37 (hg19) VCF-style: chr7-42005694-G-A.
Other names: short protein forms Q993*.
Identifiers: ClinVar variation 3340340 (VCV003340340.2).